The following is an entry in ClinVar:

ClinVar aggregate classification (germline): Pathogenic (1 of 4 stars; one submission).

Conditions:
SLC26A2-related skeletal dysplasia. Identifiers: MedGen CN379209, MONDO:0100592.

Submission:

Myriad Genetics, Inc.
Classification: Pathogenic for SLC26A2-related skeletal dysplasia. Last evaluated: 2026-02-13. Review status: criteria provided, single submitter. Criteria: Myriad Autosomal Dominant, Autosomal Recessive and X-Linked Classification Criteria (2023). Collection method: clinical testing. Allele origin: unknown.
Comment: NM_000112.3(SLC26A2):c.1648_1649delAA(K550Efs*11) is a frameshift variant classified as pathogenic in the context of SLC26A2-related disorders. K550Efs*11 has not been observed in cases with relevant disease. Relevant functional assessments of this variant are not available in the literature. K550Efs*11 has not been observed in referenced population frequency databases. In summary, NM_000112.3(SLC26A2):c.1648_1649delAA(K550Efs*11) is a frameshift variant in a gene where loss of function is a known mechanism of disease and is predicted to disrupt protein function. Please note: this variant was assessed in the context of healthy population screening.

NM_000112.4(SLC26A2):c.1648_1649del (p.Lys550fs)

Gene: SLC26A2 (solute carrier family 26 member 2; plus strand). Cytogenetic location: 5q32.
Variant type: Deletion.
Coding change: c.1648_1649del on transcript NM_000112.4 (MANE Select); coding-DNA positions 1648 to 1649, 2 bases deleted (AA; older notation c.1648_1649delAA).
Protein change: p.Lys550fs; shifts the reading frame from lysine 550.
Molecular consequence: frameshift variant.
Genome position (GRCh38, 1-based): chr5:149,981,241-149,981,242, AA deleted; deleting any 2 consecutive bases within chr5:149,981,240-149,981,242 gives the same sequence; the c. name uses the placement nearest the transcript's 3' end. VCF-style (leftmost placement, unchanged base first): chr5-149981239-CAA-C. GRCh37 (hg19) VCF-style: chr5-149360802-CAA-C.
Other names: short protein forms K550fs.
Identifiers: ClinVar variation 5004474 (VCV005004474.1).